The following is an entry in ClinVar:

ClinVar aggregate classification (germline): Pathogenic (1 of 4 stars; one submission).

Conditions:
Neuromuscular disease caused by qualitative or quantitative defects of dysferlin. Also called: Qualitative or quantitative defects of dysferlin; Dysferlinopathy. Identifiers: Orphanet 207073, MedGen C2931687, MONDO:0016145.

Submission:

Labcorp Genetics (formerly Invitae), Labcorp
Classification: Pathogenic for Neuromuscular disease caused by qualitative or quantitative defects of dysferlin. Last evaluated: 2021-09-14. Review status: criteria provided, single submitter. Criteria: Invitae Variant Classification Sherloc (09022015). Collection method: clinical testing. Allele origin: germline.
Comment: For these reasons, this variant has been classified as Pathogenic. This variant has not been reported in the literature in individuals affected with DYSF-related conditions. This variant is not present in population databases (ExAC no frequency). This sequence change creates a premature translational stop signal (p.Trp1969Leufs*9) in the DYSF gene. It is expected to result in an absent or disrupted protein product. Loss-of-function variants in DYSF are known to be pathogenic (PMID: 17698709, 20301480).

Literature cited by the submitters: PubMed 17698709; PubMed 20301480.

NM_001130987.2(DYSF):c.6022dup (p.Trp2008fs)

Gene: DYSF (dysferlin; plus strand). Cytogenetic location: 2p13.2.
Variant type: Duplication.
Coding change: c.6022dup on transcript NM_001130987.2 (MANE Select); coding-DNA position 6022, one base duplicated (T; older notation c.6022dupT).
Protein change: p.Trp2008fs; shifts the reading frame from tryptophan 2008.
Molecular consequence: frameshift variant.
Genome position (GRCh38, 1-based): chr2:71,679,194, T duplicated. VCF-style (leftmost placement, unchanged base first): chr2-71679193-G-GT. GRCh37 (hg19) VCF-style: chr2-71906323-G-GT.
Other names: c.5908dup, p.Trp1970fs (NM_001130455.2); c.5863dup, p.Trp1955fs (NM_001130976.2); c.5926dup, p.Trp1976fs (NM_001130977.2); c.5968dup, p.Trp1990fs (NM_001130978.2); c.5998dup, p.Trp2000fs (NM_001130979.2); c.5956dup, p.Trp1986fs (NM_001130980.2); c.6019dup, p.Trp2007fs (NM_001130981.2); c.6001dup, p.Trp2001fs (NM_001130982.2); and 5 more; short protein forms W1956fs, W1976fs, W1991fs, W2007fs, W1986fs, W1990fs, W2008fs, W1955fs.
Identifiers: ClinVar variation 1451835 (VCV001451835.6), dbSNP rs2152967880, ClinGen allele CA2573135976.